The following is an entry in ClinVar:

ClinVar aggregate classification (germline): Uncertain significance (1 of 4 stars; one submission).

Conditions:
KNL1-related disorder. Also called: KNL1-related condition.

gnomAD v4.1: 4 of 1,613,930 alleles (0.00025%); highest among the groups gnomAD compares: Admixed American, 0.0017%; no homozygotes.

Submission:

PreventionGenetics, part of Exact Sciences
Classification: Uncertain significance for KNL1-related condition. Last evaluated: 2025-02-06. Review status: criteria provided, single submitter. Criteria: ACMG Guidelines, 2015. Collection method: clinical testing. Allele origin: germline.
Comment: The KNL1 c.3841A>G variant is predicted to result in the amino acid substitution p.Lys1281Glu. To our knowledge, this variant has not been reported in the literature or in a large population database (gnomAD), indicating this variant is rare. At this time, the clinical significance of this variant is uncertain due to the absence of conclusive functional and genetic evidence.

NM_144508.5(KNL1):c.3763A>G (p.Lys1255Glu)

Gene: KNL1 (kinetochore scaffold 1; plus strand). Cytogenetic location: 15q15.1.
Variant type: single nucleotide variant.
Coding change: c.3763A>G on transcript NM_144508.5 (MANE Select); coding-DNA position 3763, A replaced by G.
Protein change: p.Lys1255Glu; replaces lysine 1255 with glutamic acid.
Molecular consequence: missense variant.
Genome position (GRCh38, 1-based): chr15:40,624,027, A>G. VCF-style: chr15-40624027-A-G. GRCh37 (hg19) VCF-style: chr15-40916225-A-G.
Other names: c.3841A>G, p.Lys1281Glu (NM_170589.5); short protein forms K1255E, K1281E.
Identifiers: ClinVar variation 4988663 (VCV004988663.1).